The following is an entry in ClinVar:

NM_001267550.2(TTN):c.24609C>T (p.Ser8203=)

Gene: TTN (titin; minus strand). Cytogenetic location: 2q31.2.
Variant type: single nucleotide variant.
Coding change: c.24609C>T on transcript NM_001267550.2 (MANE Select); coding-DNA position 24609, C replaced by T.
Protein change: p.Ser8203=; no amino-acid change (serine 8203 retained).
Molecular consequence: synonymous variant. On other transcripts: intron variant (3).
Genome position (GRCh38, 1-based): chr2:178,718,497, G>A on the plus strand (C>T on the coding strand, the complement: TTN is on the minus strand). VCF-style: chr2-178718497-G-A. GRCh37 (hg19) VCF-style: chr2-179583224-G-A.
Other names: c.20877C>T, p.Ser6959= (NM_133378.4); c.23658C>T, p.Ser7886= (NM_001256850.1); c.13282+19585C>T (NM_003319.4); c.13858+19585C>T (NM_133437.4); c.13657+19585C>T (NM_133432.3).
Identifiers: ClinVar variation 46737 (VCV000046737.10), dbSNP rs397517509, ClinGen allele CA139075.

ClinVar aggregate classification (germline): Likely benign. Review status: criteria provided, multiple submitters, no conflicts (2 of 4 stars). 2 submissions from 2 submitters: Likely benign (2). Last evaluated 2022-07-06.

Conditions:
Dilated cardiomyopathy 1G (CMD1G). Identifiers: Orphanet 154, MedGen C1858763, MONDO:0011400, OMIM 604145.
Autosomal recessive limb-girdle muscular dystrophy type 2J (LGMDR10). Also called: Limb-girdle muscular dystrophy, type 2J; MUSCULAR DYSTROPHY, LIMB-GIRDLE, AUTOSOMAL RECESSIVE 10. Identifiers: Orphanet 140922, MedGen C1837342, MONDO:0012127, OMIM 608807.

Allele frequency attached by ClinVar (database versions not stated): ExAC 0.00002; gnomAD exomes 0.00002.
gnomAD v4.1: 5 of 1,613,664 alleles (0.00031%); highest among the groups gnomAD compares: Admixed American, 0.0083%; no homozygotes.

Submissions (2):

Labcorp Genetics (formerly Invitae), Labcorp
Classification: Likely benign for Dilated cardiomyopathy 1G; Autosomal recessive limb-girdle muscular dystrophy type 2J. Last evaluated: 2022-07-06. Review status: criteria provided, single submitter. Criteria: Invitae Variant Classification Sherloc (09022015). Collection method: clinical testing. Allele origin: germline.

Laboratory for Molecular Medicine, Mass General Brigham Personalized Medicine
Classification: Likely benign. Last evaluated: 2011-12-27. Review status: criteria provided, single submitter. Criteria: LMM Criteria. Collection method: clinical testing. Allele origin: germline. Observed: 1 variant allele.
Comment: Ser6959Ser in exon 82 of TTN: This variant is not expected to have clinical sign ificance because it does not alter an amino acid residue and is not located with in the splice consensus sequence. Ser6959Ser in exon 82 of TTN (allele frequenc y = n/a)